The following is an entry in ClinVar:

NM_001308093.3(GATA4):c.409G>C (p.Gly137Arg)

Gene: GATA4 (GATA binding protein 4). Cytogenetic location: 8p23.1.
Variant type: single nucleotide variant.
Coding change: c.409G>C on transcript NM_001308093.3 (MANE Select); coding-DNA position 409, G replaced by C.
Protein change: p.Gly137Arg; replaces glycine 137 with arginine.
Molecular consequence: missense variant. On other transcripts: intron variant (3).
Genome position (GRCh38, 1-based): chr8:11,708,721, G>C. VCF-style: chr8-11708721-G-C. GRCh37 (hg19) VCF-style: chr8-11566230-G-C.
Other names: c.-3+707G>C (NM_001374274.1); c.-3+4417G>C (NM_001374273.1); c.409G>C (NM_002052.4); c.409G>C, p.Gly137Arg (NM_002052.5); c.-6+7943G>C (NM_001308094.2); short protein forms G137R.
Identifiers: ClinVar variation 2566792 (VCV002566792.3), dbSNP rs2486781068, ClinGen allele CA370309562.

ClinVar aggregate classification (germline): Uncertain significance. Review status: criteria provided, multiple submitters, no conflicts (2 of 4 stars). 2 submissions from 2 submitters: Uncertain significance (2). Last evaluated 2023-03-26.

Conditions:
Cardiovascular phenotype. Identifiers: MedGen CN230736.
GATA4-related disorder. Also called: GATA4-related condition. Identifiers: MedGen CN860321.

Submissions (2):

Ambry Genetics
Classification: Uncertain significance for Cardiovascular phenotype. Last evaluated: 2023-03-26. Review status: criteria provided, single submitter. Criteria: Ambry Variant Classification Scheme 2023. Collection method: clinical testing. Allele origin: germline.
Comment: The p.G137R variant (also known as c.409G>C), located in coding exon 1 of the GATA4 gene, results from a G to C substitution at nucleotide position 409. The glycine at codon 137 is replaced by arginine, an amino acid with dissimilar properties. This amino acid position is conserved. In addition, the in silico prediction for this alteration is inconclusive. Since supporting evidence is limited at this time, the clinical significance of this alteration remains unclear.

PreventionGenetics, part of Exact Sciences
Classification: Uncertain significance for GATA4-related condition. Last evaluated: 2023-01-25. Review status: criteria provided, single submitter. Criteria: ACMG Guidelines, 2015. Collection method: clinical testing. Allele origin: germline.
Comment: The GATA4 c.409G>C variant is predicted to result in the amino acid substitution p.Gly137Arg. To our knowledge, this variant has not been reported in the literature or in a large population database, indicating this variant is rare. At this time, the clinical significance of this variant is uncertain due to the absence of conclusive functional and genetic evidence.